The following is an entry in ClinVar:

ClinVar aggregate classification (germline): Uncertain significance (1 of 4 stars; one submission).

Allele frequency attached by ClinVar (database versions not stated): ESP Exome Variant Server 0.00016.
gnomAD v4.1: 94 of 1,596,782 alleles (0.0059%); highest among the groups gnomAD compares: Middle Eastern, 0.016%; no homozygotes.

Submission:

Labcorp Genetics (formerly Invitae), Labcorp
Classification: Uncertain significance. Last evaluated: 2023-11-27. Review status: criteria provided, single submitter. Criteria: Invitae Variant Classification Sherloc (09022015). Collection method: clinical testing. Allele origin: germline.
Comment: This sequence change replaces alanine, which is neutral and non-polar, with valine, which is neutral and non-polar, at codon 400 of the RASGRP1 protein (p.Ala400Val). This variant is present in population databases (rs372045194, gnomAD 0.01%). This variant has not been reported in the literature in individuals affected with RASGRP1-related conditions. ClinVar contains an entry for this variant (Variation ID: 1493960). Advanced modeling of protein sequence and biophysical properties (such as structural, functional, and spatial information, amino acid conservation, physicochemical variation, residue mobility, and thermodynamic stability) performed at Invitae indicates that this missense variant is not expected to disrupt RASGRP1 protein function with a negative predictive value of 80%. In summary, the available evidence is currently insufficient to determine the role of this variant in disease. Therefore, it has been classified as a Variant of Uncertain Significance.

NM_005739.4(RASGRP1):c.1199C>T (p.Ala400Val)

Gene: RASGRP1 (RAS guanyl releasing protein 1; minus strand). Cytogenetic location: 15q14.
Variant type: single nucleotide variant.
Coding change: c.1199C>T on transcript NM_005739.4 (MANE Select); coding-DNA position 1199, C replaced by T.
Protein change: p.Ala400Val; replaces alanine 400 with valine.
Molecular consequence: missense variant.
Genome position (GRCh38, 1-based): chr15:38,507,769, G>A on the plus strand (C>T on the coding strand, the complement: RASGRP1 is on the minus strand). VCF-style: chr15-38507769-G-A. GRCh37 (hg19) VCF-style: chr15-38799970-G-A.
Other names: c.1199C>T, p.Ala400Val (NM_001128602.2, NM_001306086.2); short protein forms A400V.
Identifiers: ClinVar variation 1493960 (VCV001493960.6), dbSNP rs372045194, ClinGen allele CA7470944.